The following is an entry in ClinVar:

NM_000787.4(DBH):c.1030A>C (p.Asn344His)

Gene: DBH (dopamine beta-hydroxylase; plus strand). Cytogenetic location: 9q34.2.
Variant type: single nucleotide variant.
Coding change: c.1030A>C on transcript NM_000787.4 (MANE Select); coding-DNA position 1030, A replaced by C.
Protein change: p.Asn344His; replaces asparagine 344 with histidine.
Molecular consequence: missense variant.
Genome position (GRCh38, 1-based): chr9:133,647,851, A>C. VCF-style: chr9-133647851-A-C. GRCh37 (hg19) VCF-style: chr9-136512973-A-C.
Other names: c.1030A>C (NM_000787.3); short protein forms N344H.
Identifiers: ClinVar variation 1420176 (VCV001420176.9), dbSNP rs1832200861, ClinGen allele CA375416862.

ClinVar aggregate classification (germline): Conflicting classifications of pathogenicity. Review status: criteria provided, conflicting classifications (1 of 4 stars). 2 submissions from 2 submitters: Uncertain significance (1); Likely benign (1). Last evaluated 2021-08-09.

Conditions:
Inborn genetic diseases. Identifiers: MedGen C0950123, MeSH D030342.
Orthostatic hypotension 1 (ORTHYP1). Also called: Orthostatic hypotension 1, due to DBH deficiency; NORADRENALINE DEFICIENCY; NOREPINEPHRINE DEFICIENCY; Dopamine beta-hydroxylase deficiency. Identifiers: Orphanet 230, MedGen C4746777, MONDO:0009123, OMIM 223360.

Allele frequency attached by ClinVar (database versions not stated): gnomAD exomes below 0.00001.
gnomAD v4.1: 4 of 1,614,106 alleles (0.00025%); highest among the groups gnomAD compares: African/African-American, 0.0013%; no homozygotes.

Submissions (2):

Ambry Genetics
Classification: Likely benign for Inborn genetic diseases. Last evaluated: 2021-08-09. Review status: criteria provided, single submitter. Criteria: Ambry Variant Classification Scheme 2023. Collection method: clinical testing. Allele origin: germline.

Labcorp Genetics (formerly Invitae), Labcorp
Classification: Uncertain significance for Orthostatic hypotension 1. Last evaluated: 2021-04-18. Review status: criteria provided, single submitter. Criteria: Invitae Variant Classification Sherloc (09022015). Collection method: clinical testing. Allele origin: germline.
Comment: Algorithms developed to predict the effect of missense changes on protein structure and function output the following: SIFT: "Tolerated"; PolyPhen-2: "Benign"; Align-GVGD: "Class C0". The histidine amino acid residue is found in multiple mammalian species, suggesting that this missense change does not adversely affect protein function. These predictions have not been confirmed by published functional studies and their clinical significance is uncertain. This variant has not been reported in the literature in individuals with DBH-related conditions. This variant is not present in population databases (ExAC no frequency). This sequence change replaces asparagine with histidine at codon 344 of the DBH protein (p.Asn344His). The asparagine residue is weakly conserved and there is a small physicochemical difference between asparagine and histidine. In summary, the available evidence is currently insufficient to determine the role of this variant in disease. Therefore, it has been classified as a Variant of Uncertain Significance.